The following is an entry in ClinVar:

ClinVar aggregate classification (germline): Likely benign (0 of 4 stars; one submission).

Conditions:
SYN2-related disorder. Also called: SYN2-related condition.

Allele frequency attached by ClinVar (database versions not stated): ExAC 0.00002.
gnomAD v4.1: 38 of 1,613,854 alleles (0.0024%); highest among the groups gnomAD compares: Non-Finnish European, 0.0032%; no homozygotes.

Submission:

PreventionGenetics, part of Exact Sciences
Classification: Likely benign for SYN2-related condition. Last evaluated: 2019-06-24. Review status: no assertion criteria provided. Collection method: clinical testing. Allele origin: germline.
Comment: This variant is classified as likely benign based on ACMG/AMP sequence variant interpretation guidelines (Richards et al. 2015 PMID: 25741868, with internal and published modifications).

NM_133625.6(SYN2):c.789G>T (p.Thr263=)

Gene: SYN2 (synapsin II; plus strand). Cytogenetic location: 3p25.2.
Variant type: single nucleotide variant.
Coding change: c.789G>T on transcript NM_133625.6 (MANE Select); coding-DNA position 789, G replaced by T.
Protein change: p.Thr263=; no amino-acid change (threonine 263 retained).
Molecular consequence: synonymous variant.
Genome position (GRCh38, 1-based): chr3:12,161,560, G>T. VCF-style: chr3-12161560-G-T. GRCh37 (hg19) VCF-style: chr3-12203060-G-T.
Other names: c.789G>T, p.Thr263= (NM_003178.6).
Identifiers: ClinVar variation 3043360 (VCV003043360.2), dbSNP rs750769489, ClinGen allele CA2257698.
Genomic context (GRCh38, chr3:12,161,560, plus strand): 5'-AGATGGGCACACTCTGACAGTTTATTCATTTCTCTTCTGATTTCAGCTGACACTGCCCAC[G>T]TTCCCTGTGGTGGTGAAGATTGGCCACGCTCACTCAGGCATGGGCAAGGTGAGGCAGAGA-3'
Protein context (NP_598328.1, residues 253-273): PNHKEMLTLP[Thr263=]FPVVVKIGHA